The following is an entry in ClinVar:

ClinVar aggregate classification (germline): Uncertain significance (0 of 4 stars; one submission).

Conditions:
UCP3-related disorder. Also called: UCP3-related condition.

gnomAD v4.1: 6 of 1,613,974 alleles (0.00037%); highest among the groups gnomAD compares: African/African-American, 0.0013%; no homozygotes.

Submission:

PreventionGenetics, part of Exact Sciences
Classification: Uncertain significance for UCP3-related condition. Last evaluated: 2024-07-29. Review status: no assertion criteria provided. Collection method: clinical testing. Allele origin: germline.
Comment: The UCP3 c.317A>G variant is predicted to result in the amino acid substitution p.Tyr106Cys. To our knowledge, this variant has not been reported in the literature or in a large population database, indicating this variant is rare. At this time, the clinical significance of this variant is uncertain due to the absence of conclusive functional and genetic evidence.

NM_003356.4(UCP3):c.317A>G (p.Tyr106Cys)

Gene: UCP3 (uncoupling protein 3; minus strand). Cytogenetic location: 11q13.4.
Variant type: single nucleotide variant.
Coding change: c.317A>G on transcript NM_003356.4 (MANE Select); coding-DNA position 317, A replaced by G.
Protein change: p.Tyr106Cys; replaces tyrosine 106 with cysteine.
Molecular consequence: missense variant.
Genome position (GRCh38, 1-based): chr11:74,006,189, T>C on the plus strand (A>G on the coding strand, the complement: UCP3 is on the minus strand). VCF-style: chr11-74006189-T-C. GRCh37 (hg19) VCF-style: chr11-73717234-T-C.
Other names: c.317A>G, p.Tyr106Cys (NM_022803.3); short protein forms Y106C.
Identifiers: ClinVar variation 3354765 (VCV003354765.1).